The following is an entry in ClinVar:

ClinVar aggregate classification (germline): Uncertain significance. Review status: criteria provided, single submitter (1 of 4 stars). 3 submissions from 3 submitters: Uncertain significance (1). 2 of the submissions do not count toward it. Last evaluated 2023-05-11.

Conditions:
Cardiovascular phenotype. Identifiers: MedGen CN230736.

Submissions (3):

Ambry Genetics
Classification: Uncertain significance for Cardiovascular phenotype. Last evaluated: 2023-05-11. Review status: criteria provided, single submitter. Criteria: Ambry Variant Classification Scheme 2023. Collection method: clinical testing. Allele origin: germline.
Comment: The c.1909_1912delTACT variant, located in coding exon 12 of the NEXN gene, results from a deletion of 4 nucleotides at nucleotide positions 1909 to 1912, causing a translational frameshift with a predicted alternate stop codon (p.Y637Afs*48). This alteration has been reported in dilated cardiomyopathy (DCM) cohorts (Hazebroek MR et al. Circ Heart Fail, 2018 Mar;11:e004682; Verdonschot JAJ et al. Circ Genom Precis Med, 2020 Oct;13:476-487). In addition, this alteration has been noted as a compound heterozygote in a subject with cardiomegaly (Rinaldi B et al. Eur J Med Genet, 2020 May;63:103875). Although biallelic loss of function alterations in NEXN have been associated with autosomal recessive NEXN-related cardiomyopathy, haploinsufficiency for NEXN has not been clearly established as a mechanism of disease for autosomal dominant NEXN-related cardiomyopathy. Since supporting evidence is limited at this time, the clinical significance of this alteration remains unclear.

Genome Diagnostics Laboratory, University Medical Center Utrecht
Classification: Likely pathogenic. Review status: no assertion criteria provided. Collection method: clinical testing. Allele origin: germline. Affected: yes. Study: VKGL Data-share Consensus. Not counted in ClinVar's aggregate classification.

Joint Genome Diagnostic Labs from Nijmegen and Maastricht, Radboudumc and MUMC+
Classification: Likely pathogenic. Review status: no assertion criteria provided. Collection method: clinical testing. Allele origin: germline. Affected: yes. Study: VKGL Data-share Consensus. Not counted in ClinVar's aggregate classification.

Literature cited by the submitters: PubMed 29540472 (cited by Ambry Genetics); PubMed 32058062 (cited by Ambry Genetics); PubMed 32880476 (cited by Ambry Genetics); PubMed 34194005 (cited by Ambry Genetics).

NM_144573.4(NEXN):c.1909_1912del (p.Tyr637fs)

Gene: NEXN (nexilin F-actin binding protein; plus strand). Cytogenetic location: 1p31.1.
Variant type: Deletion.
Coding change: c.1909_1912del on transcript NM_144573.4 (MANE Select); coding-DNA positions 1909 to 1912, 4 bases deleted (TACT; older notation c.1909_1912delTACT).
Protein change: p.Tyr637fs; shifts the reading frame from tyrosine 637.
Molecular consequence: frameshift variant.
Genome position (GRCh38, 1-based): chr1:77,942,710-77,942,713, TACT deleted; deleting any 4 consecutive bases within chr1:77,942,707-77,942,713 gives the same sequence; the c. name uses the placement nearest the transcript's 3' end. VCF-style (leftmost placement, unchanged base first): chr1-77942706-AACTT-A. GRCh37 (hg19) VCF-style: chr1-78408391-AACTT-A.
Other names: c.1717_1720del, p.Tyr573fs (NM_001172309.2); c.1909_1912delTACT (NM_144573.3); short protein forms Y573fs, Y637fs.
Identifiers: ClinVar variation 1285123 (VCV001285123.5), dbSNP rs775629965, ClinGen allele CA919005.
Genomic context (GRCh38, chr1:77,942,706, plus strand): 5'-GTGGTTTGAAGGAGAAATACTGCAGGATGGAGAAGACTATCAATATATTGAAAGGGGAGA[AACTT>A]ACTGCCTTTACTTACCAGAAACTTTCCCAGAAGATGGAGGAGAGTATATGTGTAAAGCAG-3'